The following is an entry in ClinVar:

NM_001303052.2(MYT1L):c.153-5A>G

Gene: MYT1L (myelin transcription factor 1 like; minus strand). Cytogenetic location: 2p25.3.
Variant type: single nucleotide variant.
Coding change: c.153-5A>G on transcript NM_001303052.2 (MANE Select); 5 bases into the intron before coding-DNA position 153, A replaced by G.
Molecular consequence: intron variant.
Genome position (GRCh38, 1-based): chr2:1,943,339, T>C on the plus strand (A>G on the coding strand, the complement: MYT1L is on the minus strand). VCF-style: chr2-1943339-T-C. GRCh37 (hg19) VCF-style: chr2-1947111-T-C.
Other names: c.153-5A>G (NM_015025.4, NM_001329844.2, NM_001329847.2 and 6 more transcripts).
Identifiers: ClinVar variation 453079 (VCV000453079.1), dbSNP rs1553341646, ClinGen allele CA658657008.

ClinVar aggregate classification (germline): Uncertain significance (1 of 4 stars; one submission).

Submission:

GeneDx
Classification: Uncertain significance. Last evaluated: 2017-10-31. Review status: criteria provided, single submitter. Criteria: GeneDx Variant Classification (06012015). Collection method: clinical testing. Allele origin: germline. Affected: yes.
Comment: The c.153-5A>G variant in the MYT1L gene has not been reported previously as a pathogenic variant nor as a benign variant, to our knowledge. The c.153-5A>G variant is not observed in large population cohorts (Lek et al., 2016). In silico analysis predicts that c.153-5A>G may destroy the natural splice acceptor site and create a cryptic slice acceptor site in intron 8, leading to abnormal gene splicing. However, in the absence of functional/RNA studies the actual effect of this variant is unknown. Therefore, based on the currently available information, it is unclear whether this variant is a pathogenic variant or a rare benign variant.